The following is an entry in ClinVar:

ClinVar aggregate classification (germline): Uncertain significance (1 of 4 stars; one submission).

gnomAD v4.1: 1 of 1,611,040 alleles (0.000062%); highest among the groups gnomAD compares: African/African-American, 0.0013%; no homozygotes.

Submission:

Greenwood Genetic Center Diagnostic Laboratories, Greenwood Genetic Center
Classification: Uncertain significance. Last evaluated: 2026-04-01. Review status: criteria provided, single submitter. Criteria: ACMG Guidelines, 2015. Collection method: clinical testing. Allele origin: germline.
Comment: PM2, PP3

NM_003070.5(SMARCA2):c.1347+1G>A

Gene: SMARCA2 (SWI/SNF related BAF chromatin remodeling complex subunit ATPase 2; plus strand). Cytogenetic location: 9p24.3.
Variant type: single nucleotide variant.
Coding change: c.1347+1G>A on transcript NM_003070.5 (MANE Select); the canonical splice donor site of the intron after coding-DNA position 1347, G replaced by A.
Molecular consequence: splice donor variant.
Genome position (GRCh38, 1-based): chr9:2,056,846, G>A. VCF-style: chr9-2056846-G-A. GRCh37 (hg19) VCF-style: chr9-2056846-G-A.
Other names: c.1347+1G>A (NM_139045.4, NM_001289397.2, NM_001289396.2).
Identifiers: ClinVar variation 4891018 (VCV004891018.1).
Genomic context (GRCh38, chr9:2,056,846, plus strand): 5'-GAGAAGCTGGAGAAGCAGCAGAAGATTGAGCAGGAGAGGAAACGCCGTCAGAAACACCAG[G>A]TTCTTAGACCCTGGGCTTTGCTCACCCTCACTTTGGCAGAGCTGTCCAATGAATTCATCA-3'